The following is an entry in ClinVar:

NM_133259.4(LRPPRC):c.3334A>G (p.Ile1112Val)

Gene: LRPPRC (leucine rich pentatricopeptide repeat containing; minus strand). Cytogenetic location: 2p21.
Variant type: single nucleotide variant.
Coding change: c.3334A>G on transcript NM_133259.4 (MANE Select); coding-DNA position 3334, A replaced by G.
Protein change: p.Ile1112Val; replaces isoleucine 1112 with valine.
Molecular consequence: missense variant.
Genome position (GRCh38, 1-based): chr2:43,905,722, T>C on the plus strand (A>G on the coding strand, the complement: LRPPRC is on the minus strand). VCF-style: chr2-43905722-T-C. GRCh37 (hg19) VCF-style: chr2-44132861-T-C.
Other names: short protein forms I1112V.
Identifiers: ClinVar variation 1385596 (VCV001385596.4), dbSNP rs2105001262, ClinGen allele CA346664968.

ClinVar aggregate classification (germline): Uncertain significance (1 of 4 stars; one submission).

Submission:

Labcorp Genetics (formerly Invitae), Labcorp
Classification: Uncertain significance. Last evaluated: 2023-05-08. Review status: criteria provided, single submitter. Criteria: Invitae Variant Classification Sherloc (09022015). Collection method: clinical testing. Allele origin: germline.
Comment: ClinVar contains an entry for this variant (Variation ID: 1385596). In summary, the available evidence is currently insufficient to determine the role of this variant in disease. Therefore, it has been classified as a Variant of Uncertain Significance. Advanced modeling of protein sequence and biophysical properties (such as structural, functional, and spatial information, amino acid conservation, physicochemical variation, residue mobility, and thermodynamic stability) performed at Invitae indicates that this missense variant is not expected to disrupt LRPPRC protein function. This variant has not been reported in the literature in individuals affected with LRPPRC-related conditions. This variant is not present in population databases (gnomAD no frequency). This sequence change replaces isoleucine, which is neutral and non-polar, with valine, which is neutral and non-polar, at codon 1112 of the LRPPRC protein (p.Ile1112Val).